The following is an entry in ClinVar:

NM_001099271.2(POC5):c.1606G>A (p.Ala536Thr)

Gene: POC5 (POC5 centriolar protein; minus strand). Cytogenetic location: 5q13.3.
Variant type: single nucleotide variant.
Coding change: c.1606G>A on transcript NM_001099271.2 (MANE Select); coding-DNA position 1606, G replaced by A.
Protein change: p.Ala536Thr; replaces alanine 536 with threonine.
Molecular consequence: missense variant.
Genome position (GRCh38, 1-based): chr5:75,674,557, C>T on the plus strand (G>A on the coding strand, the complement: POC5 is on the minus strand). VCF-style: chr5-75674557-C-T. GRCh37 (hg19) VCF-style: chr5-74970382-C-T.
Other names: c.1531G>A, p.Ala511Thr (NM_152408.3); short protein forms A511T, A536T.
Identifiers: ClinVar variation 1490343 (VCV001490343.6), dbSNP rs1433562167, ClinGen allele CA360154613.

ClinVar aggregate classification (germline): Uncertain significance (1 of 4 stars; one submission).

Allele frequency attached by ClinVar (database versions not stated): gnomAD 0.00001; gnomAD exomes 0.00001; TOPMed 0.00001.
gnomAD v4.1: 8 of 1,613,774 alleles (0.0005%); highest among the groups gnomAD compares: Non-Finnish European, 0.00068%; no homozygotes.

Submission:

Labcorp Genetics (formerly Invitae), Labcorp
Classification: Uncertain significance. Last evaluated: 2022-11-15. Review status: criteria provided, single submitter. Criteria: Invitae Variant Classification Sherloc (09022015). Collection method: clinical testing. Allele origin: germline.
Comment: In summary, the available evidence is currently insufficient to determine the role of this variant in disease. Therefore, it has been classified as a Variant of Uncertain Significance. Algorithms developed to predict the effect of missense changes on protein structure and function are either unavailable or do not agree on the potential impact of this missense change (SIFT: "Not Available"; PolyPhen-2: "Probably Damaging"; Align-GVGD: "Not Available"). ClinVar contains an entry for this variant (Variation ID: 1490343). This variant has not been reported in the literature in individuals affected with POC5-related conditions. This variant is not present in population databases (gnomAD no frequency). This sequence change replaces alanine, which is neutral and non-polar, with threonine, which is neutral and polar, at codon 536 of the POC5 protein (p.Ala536Thr).